The following is an entry in ClinVar:

NM_006015.6(ARID1A):c.802C>T (p.Gln268Ter)

Genes: ARID1A (AT-rich interaction domain 1A; plus strand), LOC129929837 (ATAC-STARR-seq lymphoblastoid silent region 489; plus strand). Cytogenetic location: 1p36.11.
Variant type: single nucleotide variant.
Coding change: c.802C>T on transcript NM_006015.6 (MANE Select); coding-DNA position 802, C replaced by T.
Protein change: p.Gln268Ter; replaces glutamine 268 with a stop codon.
Molecular consequence: nonsense.
Genome position (GRCh38, 1-based): chr1:26,697,205, C>T. VCF-style: chr1-26697205-C-T. GRCh37 (hg19) VCF-style: chr1-27023696-C-T.
Other names: c.802C>T, p.Gln268Ter (NM_139135.4); short protein forms Q268*.
Identifiers: ClinVar variation 4813059 (VCV004813059.1).

ClinVar aggregate classification (germline): Pathogenic (1 of 4 stars; one submission).

Conditions:
Intellectual disability, autosomal dominant 14 (CSS2). Also called: COFFIN-SIRIS SYNDROME 2. Identifiers: Orphanet 1465, MedGen C3553247, MONDO:0013819, OMIM 614607.

Submission:

Variantyx, Inc.
Classification: Pathogenic for Intellectual disability, autosomal dominant 14. Last evaluated: 2025-12-26. Review status: criteria provided, single submitter. Criteria: Variantyx Assertion Criteria 2022. Collection method: clinical testing. Allele origin: germline. Inheritance: Autosomal dominant inheritance. Affected: yes.
Comment: This is a nonsense variant in the ARID1A gene (OMIM: 603024). Pathogenic variants in this gene have been associated with autosomal dominant Coffin-Siris syndrome 2. This variant introduces a premature termination codon in exon 1 out of 20. It is expected to result in loss of function, which is a known disease mechanism for ARID1A in this disorder (PMID: 22426308, 23929686, 23906836) (PVS1). This variant is absent from control populations (PM2). Based on the current evidence, this variant is classified as pathogenic for autosomal dominant Coffin-Siris syndrome 2.

Literature cited by the submitters: PubMed 31530938.